The following is an entry in ClinVar:

NM_052963.3(TOP1MT):c.955G>A (p.Asp319Asn)

Gene: TOP1MT (DNA topoisomerase I mitochondrial; minus strand). Cytogenetic location: 8q24.3.
Variant type: single nucleotide variant.
Coding change: c.955G>A on transcript NM_052963.3 (MANE Select); coding-DNA position 955, G replaced by A.
Protein change: p.Asp319Asn; replaces aspartic acid 319 with asparagine.
Molecular consequence: missense variant.
Genome position (GRCh38, 1-based): chr8:143,324,004, C>T on the plus strand (G>A on the coding strand, the complement: TOP1MT is on the minus strand). VCF-style: chr8-143324004-C-T. GRCh37 (hg19) VCF-style: chr8-144406174-C-T.
Other names: c.661G>A, p.Asp221Asn (NM_001258446.1, NM_001258447.1); short protein forms D221N, D319N.
Identifiers: ClinVar variation 2053509 (VCV002053509.4), dbSNP rs143769145, ClinGen allele CA4908621.
Genomic context (GRCh38, chr8:143,324,004, plus strand): 5'-TCCTCGCCAGGAGAACCAGGATGAAGAGCCGCCAGGAAGCGAGAAGGCCGCATACCTTAT[C>T]GATGAAATACAGGGCCACCGCCCGCTGTCTCGTCTTCATTTCCCGAGACTTCCAGTCAGC-3'
Protein context (NP_443195.1, residues 309-329): RQRAVALYFI[Asp319Asn]KLALRAGNEK

ClinVar aggregate classification (germline): Uncertain significance (1 of 4 stars; one submission).

gnomAD v4.1: 357 of 1,613,720 alleles (0.022%); highest among the groups gnomAD compares: Admixed American, 0.035%; 2 homozygotes.

Submission:

Labcorp Genetics (formerly Invitae), Labcorp
Classification: Uncertain significance. Last evaluated: 2025-03-27. Review status: criteria provided, single submitter. Criteria: Invitae Variant Classification Sherloc (09022015). Collection method: clinical testing. Allele origin: germline.
Comment: This sequence change replaces aspartic acid, which is acidic and polar, with asparagine, which is neutral and polar, at codon 319 of the TOP1MT protein (p.Asp319Asn). This variant is present in population databases (rs143769145, gnomAD 0.2%), and has an allele count higher than expected for a pathogenic variant. This variant has not been reported in the literature in individuals affected with TOP1MT-related conditions. ClinVar contains an entry for this variant (Variation ID: 2053509). Invitae Evidence Modeling of protein sequence and biophysical properties (such as structural, functional, and spatial information, amino acid conservation, physicochemical variation, residue mobility, and thermodynamic stability) indicates that this missense variant is expected to disrupt TOP1MT protein function with a positive predictive value of 80%. In summary, the available evidence is currently insufficient to determine the role of this variant in disease. Therefore, it has been classified as a Variant of Uncertain Significance.